The following is an entry in ClinVar:

NM_001128840.3(CACNA1D):c.3456C>G (p.Ile1152Met)

Genes: CACNA1D (calcium voltage-gated channel subunit alpha1 D; plus strand), LOC129936904 (ATAC-STARR-seq lymphoblastoid active region 19969; plus strand). Cytogenetic location: 3p21.1.
Variant type: single nucleotide variant.
Coding change: c.3456C>G on transcript NM_001128840.3 (MANE Select); coding-DNA position 3456, C replaced by G.
Protein change: p.Ile1152Met; replaces isoleucine 1152 with methionine.
Molecular consequence: missense variant.
Genome position (GRCh38, 1-based): chr3:53,749,409, C>G. VCF-style: chr3-53749409-C-G. GRCh37 (hg19) VCF-style: chr3-53783436-C-G.
Other names: c.3516C>G, p.Ile1172Met (NM_000720.4); c.3456C>G, p.Ile1152Met (NM_001128839.3); short protein forms I1152M, I1172M.
Identifiers: ClinVar variation 3377414 (VCV003377414.1).

ClinVar aggregate classification (germline): Uncertain significance (1 of 4 stars; one submission).

Conditions:
Sinoatrial node dysfunction and deafness (SANDD). Identifiers: Orphanet 324321, MedGen C3554018, MONDO:0013960, OMIM 614896.

Submission:

Victorian Clinical Genetics Services, Murdoch Childrens Research Institute
Classification: Uncertain significance for Sinoatrial node dysfunction and deafness. Last evaluated: 2020-05-25. Review status: criteria provided, single submitter. Criteria: ACMG Guidelines, 2015. Collection method: clinical testing. Allele origin: germline.
Comment: Based on the classification scheme VCGS_Germline_v1.1.1, this variant is classified as 3B-VUS. Following criteria are met: 0103 - Both loss- and gain-of-function are known mechanisms of disease for this gene (PMID: 26842699, 30054272). (N) 0108 - This gene is known to be associated with both recessive and dominant disease (OMIM) (N) 0200 - Variant is predicted to result in a missense amino acid change from isoleucine to methionine (exon 28). (N) 0251 - Variant is heterozygous. (N) 0301 - Variant is absent from gnomAD. (P) 0501 - Missense variant consistently predicted to be damaging by multiple in-silico tools or highly conserved with a major amino acid change. (P) 0600 - Variant is located in an annotated domain or motif (ion transcporter protein; NCBI). (N) 0705 - No comparable variants have previous evidence for pathogenicity. (N) 0807 - Variant has not previously been reported in a clinical context. (N) 0905 - No segregation evidence has been identified for this variant. (N) 1007 - No published functional evidence has been identified for this variant. (N) 1208 - Inheritance information for this variant is not currently available. (N) Legend: (P) - Pathogenic, (N) - Neutral, (B) - Benign

Literature cited by the submitters: PubMed 26842699; PubMed 30054272.